The following is an entry in ClinVar:

ClinVar aggregate classification (germline): Likely pathogenic (1 of 4 stars; one submission).

Conditions:
Dilated cardiomyopathy 1G (CMD1G). Identifiers: Orphanet 154, MedGen C1858763, MONDO:0011400, OMIM 604145.
Autosomal recessive limb-girdle muscular dystrophy type 2J (LGMDR10). Also called: Limb-girdle muscular dystrophy, type 2J; MUSCULAR DYSTROPHY, LIMB-GIRDLE, AUTOSOMAL RECESSIVE 10. Identifiers: Orphanet 140922, MedGen C1837342, MONDO:0012127, OMIM 608807.

Submission:

Labcorp Genetics (formerly Invitae), Labcorp
Classification: Likely pathogenic for Dilated cardiomyopathy 1G; Autosomal recessive limb-girdle muscular dystrophy type 2J. Last evaluated: 2023-11-10. Review status: criteria provided, single submitter. Criteria: Invitae Variant Classification Sherloc (09022015). Collection method: clinical testing. Allele origin: germline.
Comment: This sequence change creates a premature translational stop signal (p.Asp27526Ilefs*6) in the TTN gene. While this is not anticipated to result in nonsense mediated decay, it is expected to create a truncated TTN protein. This variant is not present in population databases (gnomAD no frequency). This variant has not been reported in the literature in individuals affected with TTN-related conditions. ClinVar contains an entry for this variant (Variation ID: 2033531). This variant is located in the A band of TTN (PMID: 25589632). Truncating variants in this region are significantly overrepresented in patients affected with dilated cardiomyopathy (PMID: 25589632). Truncating variants in this region have also been reported in individuals affected with autosomal recessive centronuclear myopathy (PMID: 23975875). In summary, the currently available evidence indicates that the variant is pathogenic, but additional data are needed to prove that conclusively. Therefore, this variant has been classified as Likely Pathogenic.

Literature cited by the submitters: PubMed 25589632; PubMed 23975875.

NM_001267550.2(TTN):c.82576del (p.Asp27526fs)

Genes: TTN (titin; minus strand), TTN-AS1 (TTN antisense RNA 1; plus strand). Cytogenetic location: 2q31.2.
Variant type: Deletion.
Coding change: c.82576del on transcript NM_001267550.2 (MANE Select); coding-DNA position 82576, one base deleted (G; older notation c.82576delG).
Protein change: p.Asp27526fs; shifts the reading frame from aspartic acid 27526.
Molecular consequence: frameshift variant.
Genome position (GRCh38, 1-based): chr2:178,563,556, C deleted on the plus strand (G on the coding strand, the reverse complement: TTN is on the minus strand); the first of 2 consecutive C bases (chr2:178,563,556-178,563,557); deleting either gives the same sequence. VCF-style (leftmost placement, unchanged base first): chr2-178563555-TC-T. GRCh37 (hg19) VCF-style: chr2-179428282-TC-T.
Other names: c.77653del, p.Asp25885fs (NM_001256850.1); c.55381del, p.Asp18461fs (NM_003319.4); c.74872del, p.Asp24958fs (NM_133378.4); c.55756del, p.Asp18586fs (NM_133432.3); c.55957del, p.Asp18653fs (NM_133437.4); short protein forms D25885fs, D18461fs, D18653fs, D27526fs, D18586fs, D24958fs.
Identifiers: ClinVar variation 2033531 (VCV002033531.4), dbSNP rs2468169955, ClinGen allele CA2580064704.